The following is an entry in ClinVar:

NM_002335.4(LRP5):c.148G>A (p.Gly50Arg)

Gene: LRP5 (LDL receptor related protein 5; plus strand). Cytogenetic location: 11q13.2.
Variant type: single nucleotide variant.
Coding change: c.148G>A on transcript NM_002335.4 (MANE Select); coding-DNA position 148, G replaced by A.
Protein change: p.Gly50Arg; replaces glycine 50 with arginine.
Molecular consequence: missense variant. On other transcripts: 5 prime UTR variant (1).
Genome position (GRCh38, 1-based): chr11:68,347,903, G>A. VCF-style: chr11-68347903-G-A. GRCh37 (hg19) VCF-style: chr11-68115371-G-A.
Other names: c.-1618G>A (NM_001291902.2); c.148G>A (NM_002335.2); short protein forms G50R.
Identifiers: ClinVar variation 1436157 (VCV001436157.8), dbSNP rs558895370, ClinGen allele CA6148921.
Genomic context (GRCh38, chr11:68,347,903, plus strand): 5'-ACAGCCTCGCCGCTCCTGCTATTTGCCAACCGCCGGGACGTACGGCTGGTGGACGCCGGC[G>A]GAGTCAAGCTGGAGTCCACCATCGTGGTCAGCGGCCTGGAGGATGCGGCCGCAGTGGACT-3'
Protein context (NP_002326.2, residues 40-60): RRDVRLVDAG[Gly50Arg]VKLESTIVVS

ClinVar aggregate classification (germline): Uncertain significance. Review status: criteria provided, multiple submitters, no conflicts (2 of 4 stars). 3 submissions from 3 submitters: Uncertain significance (3). Last evaluated 2025-06-12.

Conditions:
Inborn genetic diseases. Identifiers: MedGen C0950123, MeSH D030342.
Autosomal dominant osteopetrosis 1 (OPTA1). Also called: OSTEOPETROSIS, AUTOSOMAL DOMINANT, TYPE I. Identifiers: Orphanet 2783, MedGen C1843330, MONDO:0011877, OMIM 607634.
Exudative vitreoretinopathy 1 (EVR1). Also called: CRISWICK-SCHEPENS SYNDROME; FEVR, AUTOSOMAL DOMINANT; Familial exudative vitreoretinopathy, autosomal dominant. Identifiers: Orphanet 891, Orphanet 90050, MedGen C1851402, MONDO:0007589, OMIM 133780.
Osteoporosis. Identifiers: MedGen C0029456, MONDO:0005298, OMIM 166710, HP:0000939.
Polycystic liver disease 4 with or without kidney cysts. Identifiers: MedGen C4693479, MONDO:0044327, OMIM 617875.
Exudative vitreoretinopathy 4 (EVR4). Identifiers: Orphanet 891, MedGen C1866176, MONDO:0011151, OMIM 601813.
Osteoporosis with pseudoglioma (OPPG). Also called: osteoporosis-pseudoglioma syndrome. Identifiers: Orphanet 2788, MedGen C0432252, MONDO:0009820, OMIM 259770.
Bone mineral density quantitative trait locus 1 (BMND1). Identifiers: MedGen C1866079, OMIM 601884.
Worth disease. Also called: Autosomal dominant osteosclerosis, Worth type; ENDOSTEAL HYPEROSTOSIS, AUTOSOMAL DOMINANT; OSTEOSCLEROSIS, AUTOSOMAL DOMINANT. Identifiers: Orphanet 2790, MedGen C0432273, MONDO:0007764, OMIM 144750.

Allele frequency attached by ClinVar (database versions not stated): gnomAD exomes 0.00001 and 0.00003; ExAC 0.00002; gnomAD 0.00002 and 0.00003; TOPMed 0.00003; 1000 Genomes Project 30x 0.00016; 1000 Genomes Project 0.00020.
gnomAD v4.1: 46 of 1,613,330 alleles (0.0029%); highest among the groups gnomAD compares: Admixed American, 0.005%; no homozygotes.

Submissions (3):

Labcorp Genetics (formerly Invitae), Labcorp
Classification: Uncertain significance. Last evaluated: 2025-06-12. Review status: criteria provided, single submitter. Criteria: Invitae Variant Classification Sherloc (09022015). Collection method: clinical testing. Allele origin: germline.
Comment: This sequence change replaces glycine, which is neutral and non-polar, with arginine, which is basic and polar, at codon 50 of the LRP5 protein (p.Gly50Arg). The frequency data for this variant in the population databases is considered unreliable, as metrics indicate poor data quality at this position in the gnomAD database. This variant has not been reported in the literature in individuals affected with LRP5-related conditions. ClinVar contains an entry for this variant (Variation ID: 1436157). Invitae Evidence Modeling of protein sequence and biophysical properties (such as structural, functional, and spatial information, amino acid conservation, physicochemical variation, residue mobility, and thermodynamic stability) indicates that this missense variant is not expected to disrupt LRP5 protein function with a negative predictive value of 95%. In summary, the available evidence is currently insufficient to determine the role of this variant in disease. Therefore, it has been classified as a Variant of Uncertain Significance.

Ambry Genetics
Classification: Uncertain significance for Inborn genetic diseases. Last evaluated: 2022-06-30. Review status: criteria provided, single submitter. Criteria: Ambry Variant Classification Scheme 2023. Collection method: clinical testing. Allele origin: germline.

Fulgent Genetics
Classification: Uncertain significance for Exudative vitreoretinopathy 1; Worth disease; Osteoporosis; Osteoporosis with pseudoglioma; Exudative vitreoretinopathy 4; Bone mineral density quantitative trait locus 1; Autosomal dominant osteopetrosis 1; Polycystic liver disease 4 with or without kidney cysts. Last evaluated: 2022-05-04. Review status: criteria provided, single submitter. Criteria: ACMG Guidelines, 2015. Collection method: clinical testing. Allele origin: unknown.